The following is an entry in ClinVar:

ClinVar aggregate classification (germline): Uncertain significance. Review status: criteria provided, multiple submitters, no conflicts (2 of 4 stars). 2 submissions from 2 submitters: Uncertain significance (2). Last evaluated 2025-12-11.

Conditions:
Inborn genetic diseases. Identifiers: MedGen C0950123, MeSH D030342.

Allele frequency attached by ClinVar (database versions not stated): ExAC 0.00001; TOPMed 0.00002; gnomAD exomes 0.00001.

Submissions (2):

Ambry Genetics
Classification: Uncertain significance for Inborn genetic diseases. Last evaluated: 2025-12-11. Review status: criteria provided, single submitter. Criteria: Ambry Variant Classification Scheme 2023. Collection method: clinical testing. Allele origin: germline.

Labcorp Genetics (formerly Invitae), Labcorp
Classification: Uncertain significance. Last evaluated: 2022-09-13. Review status: criteria provided, single submitter. Criteria: Invitae Variant Classification Sherloc (09022015). Collection method: clinical testing. Allele origin: germline.
Comment: This sequence change replaces glutamic acid, which is acidic and polar, with aspartic acid, which is acidic and polar, at codon 82 of the GNPTG protein (p.Glu82Asp). This variant is present in population databases (rs754595108, gnomAD 0.0009%). This variant has not been reported in the literature in individuals affected with GNPTG-related conditions. ClinVar contains an entry for this variant (Variation ID: 1418098). Advanced modeling of protein sequence and biophysical properties (such as structural, functional, and spatial information, amino acid conservation, physicochemical variation, residue mobility, and thermodynamic stability) performed at Invitae indicates that this missense variant is not expected to disrupt GNPTG protein function. In summary, the available evidence is currently insufficient to determine the role of this variant in disease. Therefore, it has been classified as a Variant of Uncertain Significance.

NM_032520.5(GNPTG):c.246G>C (p.Glu82Asp)

Gene: GNPTG (N-acetylglucosamine-1-phosphate transferase subunit gamma; plus strand). Cytogenetic location: 16p13.3.
Variant type: single nucleotide variant.
Coding change: c.246G>C on transcript NM_032520.5 (MANE Select); coding-DNA position 246, G replaced by C.
Protein change: p.Glu82Asp; replaces glutamic acid 82 with aspartic acid.
Molecular consequence: missense variant.
Genome position (GRCh38, 1-based): chr16:1,361,884, G>C. VCF-style: chr16-1361884-G-C. GRCh37 (hg19) VCF-style: chr16-1411885-G-C.
Other names: c.246G>C (NM_032520.4); short protein forms E82D.
Identifiers: ClinVar variation 1418098 (VCV001418098.6), dbSNP rs754595108, ClinGen allele CA7807567.